The following is an entry in ClinVar:

ClinVar aggregate classification (germline): Uncertain significance (1 of 4 stars; one submission).

Allele frequency attached by ClinVar (database versions not stated): ExAC 0.00001; TOPMed 0.00003; gnomAD 0.00004; gnomAD exomes 0.00005.
gnomAD v4.1: 76 of 1,613,770 alleles (0.0047%); highest among the groups gnomAD compares: Non-Finnish European, 0.0059%; no homozygotes.

Submission:

Ambry Genetics
Classification: Uncertain significance. Last evaluated: 2024-08-03. Review status: criteria provided, single submitter. Criteria: Ambry Variant Classification Scheme 2023. Collection method: clinical testing. Allele origin: germline.
Comment: The p.T440M variant (also known as c.1319C>T), located in coding exon 7 of the PKP4 gene, results from a C to T substitution at nucleotide position 1319. The threonine at codon 440 is replaced by methionine, an amino acid with similar properties. This amino acid position is conserved. In addition, the in silico prediction for this alteration is inconclusive. Since supporting evidence is limited at this time, the clinical significance of this alteration remains unclear.

NM_003628.6(PKP4):c.1319C>T (p.Thr440Met)

Gene: PKP4 (plakophilin 4; plus strand). Cytogenetic location: 2q24.1.
Variant type: single nucleotide variant.
Coding change: c.1319C>T on transcript NM_003628.6 (MANE Select); coding-DNA position 1319, C replaced by T.
Protein change: p.Thr440Met; replaces threonine 440 with methionine.
Molecular consequence: missense variant.
Genome position (GRCh38, 1-based): chr2:158,631,918, C>T. VCF-style: chr2-158631918-C-T. GRCh37 (hg19) VCF-style: chr2-159488430-C-T.
Other names: c.1319C>T, p.Thr440Met (NM_001005476.4, NM_001304969.3, NM_001304971.2 and 6 more transcripts); c.293C>T, p.Thr98Met (NM_001304970.3); c.1313C>T, p.Thr438Met (NM_001377222.1, NM_001377223.1, NM_001377224.1); short protein forms T440M, T438M, T98M.
Identifiers: ClinVar variation 1769844 (VCV001769844.3), dbSNP rs754177549, ClinGen allele CA1920665.